The following is an entry in ClinVar:

ClinVar aggregate classification (germline): Benign (1 of 4 stars; one submission).

Conditions:
Immunodeficiency 51 (IMD51). Also called: CANDIDIASIS, FAMILIAL, 5. Identifiers: Orphanet 1334, MedGen C4310803, MONDO:0013500, OMIM 613953.

Allele frequency attached by ClinVar (database versions not stated): 1000 Genomes Project 0.00759; TOPMed 0.00832; 1000 Genomes Project 30x 0.00906.
gnomAD v4.1: 1,920 of 1,290,200 alleles (0.15%); highest among the groups gnomAD compares: African/African-American, 2.8%; 31 homozygotes.

Submission:

Illumina Laboratory Services, Illumina
Classification: Benign for Immunodeficiency 51. Last evaluated: 2017-04-27. Review status: criteria provided, single submitter. Criteria: ICSL Variant Classification Criteria 13 December 2019. Collection method: clinical testing. Allele origin: germline.
Comment: This variant was observed as part of a predisposition screen in an ostensibly healthy population. A literature search was performed for the gene, cDNA change, and amino acid change (where applicable). No publications were found based on this search. Allele frequency data from public databases was too high to be consistent with this variant causing disease. Therefore, this variant is classified as benign.

NM_014339.7(IL17RA):c.-33C>G

Genes: IL17RA (interleukin 17 receptor A; plus strand), LOC130066894 (ATAC-STARR-seq lymphoblastoid silent region 13430; plus strand). Cytogenetic location: 22q11.1.
Variant type: single nucleotide variant.
Coding change: c.-33C>G on transcript NM_014339.7 (MANE Select); 33 bases upstream of the start codon, C replaced by G.
Molecular consequence: 5 prime UTR variant.
Genome position (GRCh38, 1-based): chr22:17,085,059, C>G. VCF-style: chr22-17085059-C-G. GRCh37 (hg19) VCF-style: chr22-17565949-C-G.
Other names: c.-33C>G (NM_001289905.2).
Identifiers: ClinVar variation 894942 (VCV000894942.4), dbSNP rs41525344, ClinGen allele CA10086198.
Genomic context (GRCh38, chr22:17,085,059, plus strand): 5'-CGACTCGAACTCCACCGCGGAAAAGAAAGCCTCAGAACGTTCGTTCGCTGCGTCCCCAGC[C>G]GGGGCCGAGCCCTCCGCGACGCCAGCCGGGCCATGGGGGCCGCACGCAGCCCGCCGTCCG-3'